The following is an entry in ClinVar:

ClinVar aggregate classification (germline): Uncertain significance (1 of 4 stars; one submission).

Allele frequency attached by ClinVar (database versions not stated): gnomAD 0.00001; gnomAD exomes below 0.00001; TOPMed 0.00001.
gnomAD v4.1: 5 of 1,614,114 alleles (0.00031%); highest among the groups gnomAD compares: African/African-American, 0.0027%; no homozygotes.

Submission:

GeneDx
Classification: Uncertain significance. Last evaluated: 2023-08-08. Review status: criteria provided, single submitter. Criteria: GeneDx Variant Classification Process June 2021. Collection method: clinical testing. Allele origin: germline. Affected: yes.
Comment: Not observed at significant frequency in large population cohorts (gnomAD); In silico analysis supports that this missense variant has a deleterious effect on protein structure/function; Has not been previously published as pathogenic or benign to our knowledge

NM_001083961.2(WDR62):c.655C>T (p.Arg219Cys)

Gene: WDR62 (WD repeat domain 62; plus strand). Cytogenetic location: 19q13.12.
Variant type: single nucleotide variant.
Coding change: c.655C>T on transcript NM_001083961.2 (MANE Select); coding-DNA position 655, C replaced by T.
Protein change: p.Arg219Cys; replaces arginine 219 with cysteine.
Molecular consequence: missense variant.
Genome position (GRCh38, 1-based): chr19:36,067,399, C>T. VCF-style: chr19-36067399-C-T. GRCh37 (hg19) VCF-style: chr19-36558301-C-T.
Other names: c.655C>T, p.Arg219Cys (NM_173636.5); short protein forms R219C.
Identifiers: ClinVar variation 1343033 (VCV001343033.4), dbSNP rs924844578, ClinGen allele CA307846553.
Genomic context (GRCh38, chr19:36,067,399, plus strand): 5'-TGTAGAGTCATTGCCCTCTCCTTCTCAGAGGACAGCAGCTATTTTGTCACTGTTGGGAAC[C>T]GCCATGTGAGGTTCTGGTTCTTGGAAGTCTCCACTGAGACAAAGGTGAGTTTCTGTCCCT-3'
Protein context (NP_001077430.1, residues 209-229): DSSYFVTVGN[Arg219Cys]HVRFWFLEVS